The following is an entry in ClinVar:

ClinVar aggregate classification (germline): Uncertain significance. Review status: criteria provided, multiple submitters, no conflicts (2 of 4 stars). 2 submissions from 2 submitters: Uncertain significance (2). Last evaluated 2025-08-23.

Conditions:
Inborn genetic diseases. Identifiers: MedGen C0950123, MeSH D030342.
SAMD9-related disorder. Also called: SAMD9-related condition.

Allele frequency attached by ClinVar (database versions not stated): gnomAD exomes below 0.00001.

Submissions (2):

Labcorp Genetics (formerly Invitae), Labcorp
Classification: Uncertain significance. Last evaluated: 2025-08-23. Review status: criteria provided, single submitter. Criteria: Invitae Variant Classification Sherloc (09022015). Collection method: clinical testing. Allele origin: germline.
Comment: This sequence change replaces aspartic acid, which is acidic and polar, with valine, which is neutral and non-polar, at codon 599 of the SAMD9 protein (p.Asp599Val). This variant is not present in population databases (gnomAD no frequency). This variant has not been reported in the literature in individuals affected with SAMD9-related conditions. ClinVar contains an entry for this variant (Variation ID: 1339825). Invitae Evidence Modeling of protein sequence and biophysical properties (such as structural, functional, and spatial information, amino acid conservation, physicochemical variation, residue mobility, and thermodynamic stability) indicates that this missense variant is not expected to disrupt SAMD9 protein function with a negative predictive value of 95%. In summary, the available evidence is currently insufficient to determine the role of this variant in disease. Therefore, it has been classified as a Variant of Uncertain Significance.

Ambry Genetics
Classification: Uncertain significance for Inborn genetic diseases. Last evaluated: 2025-05-02. Review status: criteria provided, single submitter. Criteria: Ambry Variant Classification Scheme 2023. Collection method: clinical testing. Allele origin: germline.
Comment: The p.D599V variant (also known as c.1796A>T), located in coding exon 1 of the SAMD9 gene, results from an A to T substitution at nucleotide position 1796. The aspartic acid at codon 599 is replaced by valine, an amino acid with highly dissimilar properties. This amino acid position is conserved. In addition, this alteration is predicted to be tolerated by in silico analysis. Based on the available evidence, the clinical significance of this variant remains unclear.

NM_017654.4(SAMD9):c.1796A>T (p.Asp599Val)

Gene: SAMD9 (sterile alpha motif domain containing 9; minus strand). Cytogenetic location: 7q21.2.
Variant type: single nucleotide variant.
Coding change: c.1796A>T on transcript NM_017654.4 (MANE Select); coding-DNA position 1796, A replaced by T.
Protein change: p.Asp599Val; replaces aspartic acid 599 with valine.
Molecular consequence: missense variant.
Genome position (GRCh38, 1-based): chr7:93,104,302, T>A on the plus strand (A>T on the coding strand, the complement: SAMD9 is on the minus strand). VCF-style: chr7-93104302-T-A. GRCh37 (hg19) VCF-style: chr7-92733615-T-A.
Other names: c.1796A>T, p.Asp599Val (NM_001193307.2); short protein forms D599V.
Identifiers: ClinVar variation 1339825 (VCV001339825.4), dbSNP rs2116419034, ClinGen allele CA368194632.